The following is an entry in ClinVar:

NM_144670.6(A2ML1):c.3521G>T (p.Ser1174Ile)

Gene: A2ML1 (alpha-2-macroglobulin like 1; plus strand). Cytogenetic location: 12p13.31.
Variant type: single nucleotide variant.
Coding change: c.3521G>T on transcript NM_144670.6 (MANE Select); coding-DNA position 3521, G replaced by T.
Protein change: p.Ser1174Ile; replaces serine 1174 with isoleucine.
Molecular consequence: missense variant.
Genome position (GRCh38, 1-based): chr12:8,863,812, G>T. VCF-style: chr12-8863812-G-T. GRCh37 (hg19) VCF-style: chr12-9016408-G-T.
Other names: c.2048G>T, p.Ser683Ile (NM_001282424.3); c.3521G>T (NM_144670.3); short protein forms S683I, S1174I.
Identifiers: ClinVar variation 2875753 (VCV002875753.4), dbSNP rs2539297803, ClinGen allele CA383841774.

ClinVar aggregate classification (germline): Uncertain significance. Review status: criteria provided, multiple submitters, no conflicts (2 of 4 stars). 2 submissions from 2 submitters: Uncertain significance (2). Last evaluated 2024-04-25.

Submissions (2):

Labcorp Genetics (formerly Invitae), Labcorp
Classification: Uncertain significance. Last evaluated: 2024-04-25. Review status: criteria provided, single submitter. Criteria: Invitae Variant Classification Sherloc (09022015). Collection method: clinical testing. Allele origin: germline.
Comment: This sequence change replaces serine, which is neutral and polar, with isoleucine, which is neutral and non-polar, at codon 1174 of the A2ML1 protein (p.Ser1174Ile). This variant is not present in population databases (gnomAD no frequency). This variant has not been reported in the literature in individuals affected with A2ML1-related conditions. An algorithm developed to predict the effect of missense changes on protein structure and function (PolyPhen-2) suggests that this variant is likely to be disruptive. In summary, the available evidence is currently insufficient to determine the role of this variant in disease. Therefore, it has been classified as a Variant of Uncertain Significance.

Ambry Genetics
Classification: Uncertain significance. Last evaluated: 2024-04-04. Review status: criteria provided, single submitter. Criteria: Ambry Variant Classification Scheme 2023. Collection method: clinical testing. Allele origin: germline.